The following is an entry in ClinVar:

ClinVar aggregate classification (germline): Uncertain significance (1 of 4 stars; one submission).

Conditions:
Methylmalonic acidemia with homocystinuria, type cblX (MAHCX). Also called: INTELLECTUAL DEVELOPMENTAL DISORDER, X-LINKED 3. Identifiers: Orphanet 369962, MedGen C0796208, MONDO:0010657, OMIM 309541.

Allele frequency attached by ClinVar (database versions not stated): gnomAD exomes below 0.00001.
gnomAD v4.1: 2 of 1,200,354 alleles (0.00017%); highest among the groups gnomAD compares: South Asian, 0.0018%; no homozygotes.

Submission:

Baylor Genetics
Classification: Uncertain significance for Methylmalonic acidemia with homocystinuria, type cblX. Last evaluated: 2020-04-15. Review status: criteria provided, single submitter. Criteria: ACMG Guidelines, 2015. Collection method: clinical testing. Allele origin: unknown. Affected: yes.
Comment: This variant was determined to be of uncertain significance according to ACMG Guidelines, 2015 [PMID:25741868].

NM_005334.3(HCFC1):c.1697C>T (p.Thr566Met)

Gene: HCFC1 (host cell factor C1; minus strand). Cytogenetic location: Xq28.
Variant type: single nucleotide variant.
Coding change: c.1697C>T on transcript NM_005334.3 (MANE Select); coding-DNA position 1697, C replaced by T.
Protein change: p.Thr566Met; replaces threonine 566 with methionine.
Molecular consequence: missense variant.
Genome position (GRCh38, 1-based): chrX:153,958,675, G>A on the plus strand (C>T on the coding strand, the complement: HCFC1 is on the minus strand). VCF-style: chrX-153958675-G-A. GRCh37 (hg19) VCF-style: chrX-153224126-G-A.
Other names: short protein forms T566M.
Identifiers: ClinVar variation 1028361 (VCV001028361.1), dbSNP rs1557115869, ClinGen allele CA415134908.